The following is an entry in ClinVar:

ClinVar aggregate classification (germline): Likely pathogenic (1 of 4 stars; one submission).

Conditions:
Microcephaly, normal intelligence and immunodeficiency (NBS). Also called: SEEMANOVA SYNDROME II; IMMUNODEFICIENCY, MICROCEPHALY, AND CHROMOSOMAL INSTABILITY; Immunodeficiency, microcephaly with normal intelligence; BERLIN BREAKAGE SYNDROME; Nijmegen breakage syndrome; Microcephaly with normal intelligence immunodeficiency and lymphoreticular malignancies. Identifiers: Orphanet 647, MedGen C0398791, MONDO:0009623, OMIM 251260.

Allele frequency attached by ClinVar (database versions not stated): gnomAD exomes below 0.00001.

Submission:

Labcorp Genetics (formerly Invitae), Labcorp
Classification: Likely pathogenic for Microcephaly, normal intelligence and immunodeficiency. Last evaluated: 2021-10-06. Review status: criteria provided, single submitter. Criteria: Invitae Variant Classification Sherloc (09022015). Collection method: clinical testing. Allele origin: germline.
Comment: Variants that disrupt the consensus splice site are a relatively common cause of aberrant splicing (PMID: 17576681, 9536098). Algorithms developed to predict the effect of sequence changes on RNA splicing suggest that this variant may disrupt the consensus splice site. If this variant results in skipping of exon 15, it will disrupt the ATM interaction domain of the NBN protein (PMID: 24894818, 21035407), which is important for activating ATM in the double-strand break repair pathway (PMID: 15964794, 15048089). While functional studies have not been performed to directly test the effect of this variant on CDH1 protein function, this suggests that disruption of this region of the protein is causative of disease. In summary, the currently available evidence indicates that the variant is pathogenic, but additional data are needed to prove that conclusively. Therefore, this variant has been classified as Likely Pathogenic. ClinVar contains an entry for this variant (Variation ID: 856631). This variant has not been reported in the literature in individuals affected with NBN-related conditions. This variant is not present in population databases (ExAC no frequency). This sequence change affects a donor splice site in intron 15 of the NBN gene. While this variant is not anticipated to result in nonsense mediated decay, it likely alters RNA splicing and results in a disrupted protein product.

Literature cited by the submitters: PubMed 17576681; PubMed 9536098; PubMed 24894818; PubMed 21035407; PubMed 15964794; PubMed 15048089.

NM_002485.5(NBN):c.2234+1G>A

Gene: NBN (nibrin; minus strand). Cytogenetic location: 8q21.3.
Variant type: single nucleotide variant.
Coding change: c.2234+1G>A on transcript NM_002485.5 (MANE Select); the canonical splice donor site of the intron after coding-DNA position 2234, G replaced by A.
Molecular consequence: splice donor variant.
Genome position (GRCh38, 1-based): chr8:89,937,025, C>T on the plus strand (G>A on the coding strand, the complement: NBN is on the minus strand). VCF-style: chr8-89937025-C-T. GRCh37 (hg19) VCF-style: chr8-90949253-C-T.
Other names: c.1988+1G>A (NM_001024688.3).
Identifiers: ClinVar variation 856631 (VCV000856631.9), dbSNP rs1586024147, ClinGen allele CA371674734.